The following is an entry in ClinVar:

ClinVar aggregate classification (germline): Likely benign. Review status: criteria provided, multiple submitters, no conflicts (2 of 4 stars). 3 submissions from 3 submitters: Likely benign (2). 1 of the submissions does not count toward it. Last evaluated 2025-10-01.

Conditions:
PRR12-related disorder. Also called: PRR12-related condition.
Inborn genetic diseases. Identifiers: MedGen C0950123, MeSH D030342.

Allele frequency attached by ClinVar (database versions not stated): 1000 Genomes Project 30x 0.00016; 1000 Genomes Project 0.00020; TOPMed 0.00057; gnomAD 0.00062.
gnomAD v4.1: 1,454 of 1,597,362 alleles (0.091%); highest among the groups gnomAD compares: Non-Finnish European, 0.11%; 2 homozygotes.

Submissions (3):

CeGaT Center for Human Genetics Tuebingen
Classification: Likely benign. Last evaluated: 2025-10-01. Review status: criteria provided, single submitter. Criteria: CeGaT Center For Human Genetics Tuebingen Variant Classification Criteria Version 2. Collection method: clinical testing. Allele origin: germline. Affected: yes. Observed: 1 variant allele.
Comment: PRR12: BS1

Ambry Genetics
Classification: Likely benign for Inborn genetic diseases. Last evaluated: 2022-08-30. Review status: criteria provided, single submitter. Criteria: Ambry Variant Classification Scheme 2023. Collection method: clinical testing. Allele origin: germline.

PreventionGenetics, part of Exact Sciences
Classification: Likely benign for PRR12-related condition. Last evaluated: 2023-09-27. Review status: no assertion criteria provided. Collection method: clinical testing. Allele origin: germline. Not counted in ClinVar's aggregate classification.
Comment: This variant is classified as likely benign based on ACMG/AMP sequence variant interpretation guidelines (Richards et al. 2015 PMID: 25741868, with internal and published modifications).

NM_020719.3(PRR12):c.2305C>G (p.Pro769Ala)

Gene: PRR12 (proline rich 12; plus strand). Cytogenetic location: 19q13.33.
Variant type: single nucleotide variant.
Coding change: c.2305C>G on transcript NM_020719.3 (MANE Select); coding-DNA position 2305, C replaced by G.
Protein change: p.Pro769Ala; replaces proline 769 with alanine.
Molecular consequence: missense variant.
Genome position (GRCh38, 1-based): chr19:49,596,640, C>G. VCF-style: chr19-49596640-C-G. GRCh37 (hg19) VCF-style: chr19-50099897-C-G.
Other names: c.2305C>G (NM_020719.2); short protein forms P769A.
Identifiers: ClinVar variation 2394307 (VCV002394307.10), dbSNP rs200746181, ClinGen allele CA9578070.